The following is an entry in ClinVar:

NM_002234.4(KCNA5):c.1576G>C (p.Glu526Gln)

Gene: KCNA5 (potassium voltage-gated channel subfamily A member 5; plus strand). Cytogenetic location: 12p13.32.
Variant type: single nucleotide variant.
Coding change: c.1576G>C on transcript NM_002234.4 (MANE Select); coding-DNA position 1576, G replaced by C.
Protein change: p.Glu526Gln; replaces glutamic acid 526 with glutamine.
Molecular consequence: missense variant.
Genome position (GRCh38, 1-based): chr12:5,045,723, G>C. VCF-style: chr12-5045723-G-C. GRCh37 (hg19) VCF-style: chr12-5154889-G-C.
Other names: short protein forms E526Q.
Identifiers: ClinVar variation 1482068 (VCV001482068.8), dbSNP rs985758860, ClinGen allele CA231869097.

ClinVar aggregate classification (germline): Uncertain significance (1 of 4 stars; one submission).

Conditions:
Atrial fibrillation, familial, 7 (ATFB7). Identifiers: MedGen C2677106, MONDO:0012828, OMIM 612240.

Allele frequency attached by ClinVar (database versions not stated): gnomAD exomes below 0.00001.

Submission:

Labcorp Genetics (formerly Invitae), Labcorp
Classification: Uncertain significance for Atrial fibrillation, familial, 7. Last evaluated: 2021-05-19. Review status: criteria provided, single submitter. Criteria: Invitae Variant Classification Sherloc (09022015). Collection method: clinical testing. Allele origin: germline.
Comment: This sequence change replaces glutamic acid with glutamine at codon 526 of the KCNA5 protein (p.Glu526Gln). The glutamic acid residue is highly conserved and there is a small physicochemical difference between glutamic acid and glutamine. In summary, the available evidence is currently insufficient to determine the role of this variant in disease. Therefore, it has been classified as a Variant of Uncertain Significance. Algorithms developed to predict the effect of missense changes on protein structure and function are either unavailable or do not agree on the potential impact of this missense change (SIFT: "Deleterious"; PolyPhen-2: "Probably Damaging"; Align-GVGD: "Class C0"). This variant has not been reported in the literature in individuals with KCNA5-related conditions. This variant is not present in population databases (ExAC no frequency).